The following is an entry in ClinVar:

ClinVar aggregate classification (germline): Likely benign. Review status: criteria provided, multiple submitters, no conflicts (2 of 4 stars). 3 submissions from 3 submitters: Likely benign (3). Last evaluated 2026-02-03.

Allele frequency attached by ClinVar (database versions not stated): ExAC 0.00008; gnomAD exomes 0.00008; 1000 Genomes Project 30x 0.00016; gnomAD 0.00019 and 0.00021; 1000 Genomes Project 0.00020; ESP Exome Variant Server 0.00023; TOPMed 0.00045.
gnomAD v4.1: 95 of 1,613,840 alleles (0.0059%); highest among the groups gnomAD compares: Admixed American, 0.058%; 1 homozygote.

Submissions (4):

Labcorp Genetics (formerly Invitae), Labcorp
Classification: Likely benign. Last evaluated: 2026-02-03. Review status: criteria provided, single submitter. Criteria: Invitae Variant Classification Sherloc (09022015). Collection method: clinical testing. Allele origin: germline.

CeGaT Center for Human Genetics Tuebingen
Classification: Likely benign. Last evaluated: 2025-10-01. Review status: criteria provided, single submitter. Criteria: CeGaT Center For Human Genetics Tuebingen Variant Classification Criteria Version 2. Collection method: clinical testing. Allele origin: germline. Affected: yes. Observed: 1 variant allele.
Comment: DMXL2: BP4, BP7

Blueprint Genetics
Classification: Likely benign. Last evaluated: 2022-05-11. Review status: criteria provided, single submitter. Criteria: ACMG Guidelines, 2015. Collection method: clinical testing. Allele origin: germline.

Dr. Peter K. Rogan Lab, Western University
No classification provided (evidence only). Condition: Uterine corpus endometrial carcinoma. Review status: no classification provided. Collection method: in vitro. Allele origin: not applicable. Functional consequence: retained intron. Not counted in ClinVar's aggregate classification.

NM_001378457.1(DMXL2):c.8538G>A (p.Ala2846=)

Gene: DMXL2 (Dmx like 2; minus strand). Cytogenetic location: 15q21.2.
Variant type: single nucleotide variant.
Coding change: c.8538G>A on transcript NM_001378457.1 (MANE Select); coding-DNA position 8538, G replaced by A.
Protein change: p.Ala2846=; no amino-acid change (alanine 2846 retained).
Molecular consequence: synonymous variant. On other transcripts: non-coding transcript variant (2).
Genome position (GRCh38, 1-based): chr15:51,455,217, C>T on the plus strand (G>A on the coding strand, the complement: DMXL2 is on the minus strand). VCF-style: chr15-51455217-C-T. GRCh37 (hg19) VCF-style: chr15-51747414-C-T.
Other names: c.8475G>A, p.Ala2825= (NM_001174116.3); c.6564G>A, p.Ala2188= (NM_001174117.3); c.8535G>A, p.Ala2845= (NM_001378458.1); c.8250G>A, p.Ala2750= (NM_001378459.1); c.6453G>A, p.Ala2151= (NM_001378460.1); c.8472G>A, p.Ala2824= (NM_015263.5).
Identifiers: ClinVar variation 1528013 (VCV001528013.16), dbSNP rs151096557, ClinGen allele CA7560985.